The following is an entry in ClinVar:

ClinVar aggregate classification (germline): Uncertain significance. Review status: criteria provided, multiple submitters, no conflicts (2 of 4 stars). 3 submissions from 3 submitters: Uncertain significance (3). Last evaluated 2026-03-23.

Conditions:
WRN-related disorder. Also called: WRN-related condition.
Inborn genetic diseases. Identifiers: MedGen C0950123, MeSH D030342.
Werner syndrome (WRN). Identifiers: Orphanet 902, MedGen C0043119, MONDO:0010196, OMIM 277700.

Allele frequency attached by ClinVar (database versions not stated): gnomAD 0.00001; TOPMed 0.00002.
gnomAD v4.1: 60 of 1,608,050 alleles (0.0037%); highest among the groups gnomAD compares: Non-Finnish European, 0.0043%; no homozygotes.

Submissions (3):

PreventionGenetics, part of Exact Sciences
Classification: Uncertain significance for WRN-related condition. Last evaluated: 2026-03-23. Review status: criteria provided, single submitter. Criteria: ACMG Guidelines, 2015. Collection method: clinical testing. Allele origin: germline.
Comment: The WRN c.1901G>A variant is predicted to result in the amino acid substitution p.Gly634Asp. To our knowledge, this variant has not been reported in the literature. This variant is reported in 0.0089% of alleles in individuals of European (Non-Finnish) descent in gnomAD and is classified as a variant of uncertain significance in ClinVar (Variation ID: 404050). At this time, the clinical significance of this variant is uncertain due to the absence of conclusive functional and genetic evidence.

Ambry Genetics
Classification: Uncertain significance for Inborn genetic diseases. Last evaluated: 2025-08-19. Review status: criteria provided, single submitter. Criteria: Ambry Variant Classification Scheme 2023. Collection method: clinical testing. Allele origin: germline.

Labcorp Genetics (formerly Invitae), Labcorp
Classification: Uncertain significance for Werner syndrome. Last evaluated: 2024-10-10. Review status: criteria provided, single submitter. Criteria: Invitae Variant Classification Sherloc (09022015). Collection method: clinical testing. Allele origin: germline.
Comment: This sequence change replaces glycine, which is neutral and non-polar, with aspartic acid, which is acidic and polar, at codon 634 of the WRN protein (p.Gly634Asp). This variant is present in population databases (rs759533715, gnomAD 0.01%). This variant has not been reported in the literature in individuals affected with WRN-related conditions. ClinVar contains an entry for this variant (Variation ID: 404050). An algorithm developed to predict the effect of missense changes on protein structure and function (PolyPhen-2) suggests that this variant is likely to be disruptive. In summary, the available evidence is currently insufficient to determine the role of this variant in disease. Therefore, it has been classified as a Variant of Uncertain Significance.

NM_000553.6(WRN):c.1901G>A (p.Gly634Asp)

Gene: WRN (WRN RecQ like helicase; plus strand). Cytogenetic location: 8p12.
Variant type: single nucleotide variant.
Coding change: c.1901G>A on transcript NM_000553.6 (MANE Select); coding-DNA position 1901, G replaced by A.
Protein change: p.Gly634Asp; replaces glycine 634 with aspartic acid.
Molecular consequence: missense variant.
Genome position (GRCh38, 1-based): chr8:31,096,770, G>A. VCF-style: chr8-31096770-G-A. GRCh37 (hg19) VCF-style: chr8-30954286-G-A.
Other names: short protein forms G634D.
Identifiers: ClinVar variation 404050 (VCV000404050.10), dbSNP rs759533715, ClinGen allele CA4704561.